The following is an entry in ClinVar:

NM_014391.3(ANKRD1):c.908T>G (p.Phe303Cys)

Gene: ANKRD1 (ankyrin repeat domain 1; minus strand). Cytogenetic location: 10q23.31.
Variant type: single nucleotide variant.
Coding change: c.908T>G on transcript NM_014391.3 (MANE Select); coding-DNA position 908, T replaced by G.
Protein change: p.Phe303Cys; replaces phenylalanine 303 with cysteine.
Molecular consequence: missense variant.
Genome position (GRCh38, 1-based): chr10:90,912,918, A>C on the plus strand (T>G on the coding strand, the complement: ANKRD1 is on the minus strand). VCF-style: chr10-90912918-A-C. GRCh37 (hg19) VCF-style: chr10-92672675-A-C.
Other names: short protein forms F303C.
Identifiers: ClinVar variation 1765745 (VCV001765745.4), dbSNP rs750346292, ClinGen allele CA5598571.

ClinVar aggregate classification (germline): Uncertain significance. Review status: criteria provided, multiple submitters, no conflicts (2 of 4 stars). 2 submissions from 2 submitters: Uncertain significance (2). Last evaluated 2025-03-20.

Conditions:
Cardiovascular phenotype. Identifiers: MedGen CN230736.
ANKRD1-related dilated cardiomyopathy. Identifiers: MedGen CN119551.

Allele frequency attached by ClinVar (database versions not stated): gnomAD exomes 0.00001; TOPMed 0.00001; ExAC 0.00002.
gnomAD v4.1: 15 of 1,613,948 alleles (0.00093%); highest among the groups gnomAD compares: Non-Finnish European, 0.0013%; no homozygotes.

Submissions (2):

Ambry Genetics
Classification: Uncertain significance for Cardiovascular phenotype. Last evaluated: 2025-03-20. Review status: criteria provided, single submitter. Criteria: Ambry Variant Classification Scheme 2023. Collection method: clinical testing. Allele origin: germline.

Labcorp Genetics (formerly Invitae), Labcorp
Classification: Uncertain significance for ANKRD1-related dilated cardiomyopathy. Last evaluated: 2025-02-06. Review status: criteria provided, single submitter. Criteria: Invitae Variant Classification Sherloc (09022015). Collection method: clinical testing. Allele origin: germline.
Comment: This sequence change replaces phenylalanine, which is neutral and non-polar, with cysteine, which is neutral and slightly polar, at codon 303 of the ANKRD1 protein (p.Phe303Cys). This variant is present in population databases (rs750346292, gnomAD 0.003%). This variant has not been reported in the literature in individuals affected with ANKRD1-related conditions. ClinVar contains an entry for this variant (Variation ID: 1765745). Invitae Evidence Modeling of protein sequence and biophysical properties (such as structural, functional, and spatial information, amino acid conservation, physicochemical variation, residue mobility, and thermodynamic stability) indicates that this missense variant is not expected to disrupt ANKRD1 protein function with a negative predictive value of 80%. In summary, the available evidence is currently insufficient to determine the role of this variant in disease. Therefore, it has been classified as a Variant of Uncertain Significance.